The following is an entry in ClinVar:

ClinVar aggregate classification (germline): Uncertain significance (1 of 4 stars; one submission).

Conditions:
CREBBP-related disorder. Also called: CREBBP-related condition; CREBBP-related disorders.

gnomAD v4.1: 28 of 1,613,606 alleles (0.0017%); highest among the groups gnomAD compares: Non-Finnish European, 0.0024%; no homozygotes.

Submission:

PreventionGenetics, part of Exact Sciences
Classification: Uncertain significance for CREBBP-related condition. Last evaluated: 2025-06-18. Review status: criteria provided, single submitter. Criteria: ACMG Guidelines, 2015. Collection method: clinical testing. Allele origin: germline.
Comment: The CREBBP c.6376G>C variant is predicted to result in the amino acid substitution p.Gly2126Arg. To our knowledge, this variant has not been reported in the literature. This variant is reported in 0.0018% of alleles in individuals of European (Non-Finnish) descent in gnomAD. At this time, the clinical significance of this variant is uncertain due to the absence of conclusive functional and genetic evidence.

NM_004380.3(CREBBP):c.6376G>C (p.Gly2126Arg)

Gene: CREBBP (CREB binding lysine acetyltransferase; minus strand). Cytogenetic location: 16p13.3.
Variant type: single nucleotide variant.
Coding change: c.6376G>C on transcript NM_004380.3 (MANE Select); coding-DNA position 6376, G replaced by C.
Protein change: p.Gly2126Arg; replaces glycine 2126 with arginine.
Molecular consequence: missense variant.
Genome position (GRCh38, 1-based): chr16:3,728,671, C>G on the plus strand (G>C on the coding strand, the complement: CREBBP is on the minus strand). VCF-style: chr16-3728671-C-G. GRCh37 (hg19) VCF-style: chr16-3778672-C-G.
Other names: c.6262G>C, p.Gly2088Arg (NM_001079846.1); short protein forms G2088R, G2126R.
Identifiers: ClinVar variation 4977902 (VCV004977902.1).